The following is an entry in ClinVar:

ClinVar aggregate classification (germline): Conflicting classifications of pathogenicity. Review status: criteria provided, conflicting classifications (1 of 4 stars). 3 submissions from 3 submitters: Uncertain significance (2); Likely benign (1). Last evaluated 2025-10-06.

Conditions:
Primary ciliary dyskinesia. Also called: Ciliary dyskinesia. Identifiers: Orphanet 244, MedGen C0008780, MONDO:0016575, HP:0012265.
Primary ciliary dyskinesia 3. Identifiers: Orphanet 244, MedGen C1837618, MONDO:0012085, OMIM 608644.
DNAH5-related disorder. Also called: DNAH5-related condition.

Allele frequency attached by ClinVar (database versions not stated): gnomAD 0.00001; ExAC 0.00002; TOPMed 0.00002; gnomAD exomes 0.00003; ESP Exome Variant Server 0.00008.
gnomAD v4.1: 41 of 1,613,862 alleles (0.0025%); highest among the groups gnomAD compares: Middle Eastern, 0.12%; 2 homozygotes.

Submissions (3):

PreventionGenetics, part of Exact Sciences
Classification: Uncertain significance for DNAH5-related condition. Last evaluated: 2025-10-06. Review status: criteria provided, single submitter. Criteria: ACMG Guidelines, 2015. Collection method: clinical testing. Allele origin: germline.
Comment: The DNAH5 c.8764C>T variant is predicted to result in the amino acid substitution p.Arg2922Cys. To our knowledge, this variant has not been reported in the literature. This variant is reported in 0.0065% of alleles in individuals of South Asian descent in gnomAD. At this time, the clinical significance of this variant is uncertain due to the absence of conclusive functional and genetic evidence.

Labcorp Genetics (formerly Invitae), Labcorp
Classification: Likely benign for Primary ciliary dyskinesia. Last evaluated: 2025-09-25. Review status: criteria provided, single submitter. Criteria: Invitae Variant Classification Sherloc (09022015). Collection method: clinical testing. Allele origin: germline.

Genomic Medicine Center of Excellence, King Faisal Specialist Hospital and Research Centre
Classification: Uncertain significance for Primary ciliary dyskinesia 3. Last evaluated: 2024-09-22. Review status: criteria provided, single submitter. Criteria: ACMG Guidelines, 2015. Collection method: clinical testing. Allele origin: germline.

NM_001369.3(DNAH5):c.8764C>T (p.Arg2922Cys)

Gene: DNAH5 (dynein axonemal heavy chain 5; minus strand). Cytogenetic location: 5p15.2.
Variant type: single nucleotide variant.
Coding change: c.8764C>T on transcript NM_001369.3 (MANE Select); coding-DNA position 8764, C replaced by T.
Protein change: p.Arg2922Cys; replaces arginine 2922 with cysteine.
Molecular consequence: missense variant.
Genome position (GRCh38, 1-based): chr5:13,786,235, G>A on the plus strand (C>T on the coding strand, the complement: DNAH5 is on the minus strand). VCF-style: chr5-13786235-G-A. GRCh37 (hg19) VCF-style: chr5-13786344-G-A.
Other names: c.8764C>T (NM_001369.2); short protein forms R2922C.
Identifiers: ClinVar variation 2074911 (VCV002074911.6), dbSNP rs369455386, ClinGen allele CA3202745.